The following is an entry in ClinVar:

NM_080916.3(DGUOK):c.704C>G (p.Thr235Arg)

Gene: DGUOK (deoxyguanosine kinase; plus strand). Cytogenetic location: 2p13.1.
Variant type: single nucleotide variant.
Coding change: c.704C>G on transcript NM_080916.3 (MANE Select); coding-DNA position 704, C replaced by G.
Protein change: p.Thr235Arg; replaces threonine 235 with arginine.
Molecular consequence: missense variant. On other transcripts: non-coding transcript variant (1), intron variant (2).
Genome position (GRCh38, 1-based): chr2:73,957,237, C>G. VCF-style: chr2-73957237-C-G. GRCh37 (hg19) VCF-style: chr2-74184364-C-G.
Other names: c.413C>G, p.Thr138Arg (NM_001318860.2, NM_001318861.2); c.395C>G, p.Thr132Arg (NM_001318862.2, NM_001318863.2); c.444-909C>G (NM_080918.3); c.426-909C>G (NM_001318859.2); short protein forms T132R, T138R, T235R.
Identifiers: ClinVar variation 1344948 (VCV001344948.2), dbSNP rs375774789, ClinGen allele CA1718327.

ClinVar aggregate classification (germline): Uncertain significance (1 of 4 stars; one submission).

gnomAD v4.1: 10 of 1,612,460 alleles (0.00062%); highest among the groups gnomAD compares: Middle Eastern, 0.017%; no homozygotes.

Submission:

GeneDx
Classification: Uncertain significance. Last evaluated: 2022-03-15. Review status: criteria provided, single submitter. Criteria: GeneDx Variant Classification Process June 2021. Collection method: clinical testing. Allele origin: germline. Affected: yes.
Comment: Not observed at significant frequency in large population cohorts (gnomAD); In silico analysis supports that this missense variant has a deleterious effect on protein structure/function; Has not been previously published as pathogenic or benign to our knowledge; In-silico analysis is inconclusive as to whether the variant alters gene splicing. In the absence of RNA/functional studies, the actual effect of this sequence change is unknown.